The following is an entry in ClinVar:

NM_178857.6(RP1L1):c.158T>C (p.Val53Ala)

Gene: RP1L1 (RP1 like 1). Cytogenetic location: 8p23.1.
Variant type: single nucleotide variant.
Coding change: c.158T>C on transcript NM_178857.6 (MANE Select); coding-DNA position 158, T replaced by C.
Protein change: p.Val53Ala; replaces valine 53 with alanine.
Molecular consequence: missense variant.
Genome position (GRCh38, 1-based): chr8:10,623,044, A>G on the plus strand (T>C on the coding strand, the complement: RP1L1 is on the minus strand). VCF-style: chr8-10623044-A-G. GRCh37 (hg19) VCF-style: chr8-10480554-A-G.
Other names: short protein forms V53A.
Identifiers: ClinVar variation 1471534 (VCV001471534.8), dbSNP rs2117227014, ClinGen allele CA370301003.

ClinVar aggregate classification (germline): Uncertain significance (1 of 4 stars; one submission).

Allele frequency attached by ClinVar (database versions not stated): gnomAD exomes below 0.00001.
gnomAD v4.1: 1 of 1,614,070 alleles (0.000062%); highest among the groups gnomAD compares: Non-Finnish European, 0.000085%; no homozygotes.

Submission:

Labcorp Genetics (formerly Invitae), Labcorp
Classification: Uncertain significance. Last evaluated: 2024-03-28. Review status: criteria provided, single submitter. Criteria: Invitae Variant Classification Sherloc (09022015). Collection method: clinical testing. Allele origin: germline.
Comment: This sequence change replaces valine, which is neutral and non-polar, with alanine, which is neutral and non-polar, at codon 53 of the RP1L1 protein (p.Val53Ala). This variant is not present in population databases (gnomAD no frequency). This variant has not been reported in the literature in individuals affected with RP1L1-related conditions. ClinVar contains an entry for this variant (Variation ID: 1471534). Advanced modeling of protein sequence and biophysical properties (such as structural, functional, and spatial information, amino acid conservation, physicochemical variation, residue mobility, and thermodynamic stability) has been performed at Invitae for this missense variant, however the output from this modeling did not meet the statistical confidence thresholds required to predict the impact of this variant on RP1L1 protein function. In summary, the available evidence is currently insufficient to determine the role of this variant in disease. Therefore, it has been classified as a Variant of Uncertain Significance.